The following is an entry in ClinVar:

ClinVar aggregate classification (germline): Uncertain significance. Review status: criteria provided, multiple submitters, no conflicts (2 of 4 stars). 4 submissions from 4 submitters: Uncertain significance (4). Last evaluated 2024-03-06.

Conditions:
Arrhythmogenic right ventricular dysplasia 8 (ARVD8). Also called: Arrhythmogenic Right Ventricular Dysplasia/Cardiomyopathy 8; ARRHYTHMOGENIC RIGHT VENTRICULAR DYSPLASIA, FAMILIAL, 8; ARRHYTHMOGENIC RIGHT VENTRICULAR CARDIOMYOPATHY 8. Identifiers: MedGen C1843896, MONDO:0011831, OMIM 607450.
Arrhythmogenic cardiomyopathy with wooly hair and keratoderma. Also called: Dilated cardiomyopathy with woolly hair and keratoderma; Arrhythmogenic cardiomyopathy with woolly hair and keratoderma; PALMOPLANTAR KERATODERMA WITH LEFT VENTRICULAR CARDIOMYOPATHY AND WOOLLY HAIR; Carvajal syndrome. Identifiers: Orphanet 65282, MedGen C1854063, MONDO:0011581, OMIM 605676.
Cardiomyopathy (CMYO). Also called: Cardiomyopathies. Identifiers: Orphanet 167848, MedGen C0878544, MONDO:0004994, HP:0001638. Inheritance: Various modes of inheritance.

Allele frequency attached by ClinVar (database versions not stated): TOPMed 0.00001; gnomAD 0.00003.

Submissions (4):

Color Diagnostics, LLC DBA Color Health
Classification: Uncertain significance for Cardiomyopathy. Last evaluated: 2024-03-06. Review status: criteria provided, single submitter. Criteria: ACMG Guidelines, 2015. Collection method: clinical testing. Allele origin: germline.
Comment: This missense variant replaces proline with leucine at codon 847 of the DSP protein. Computational prediction suggests that this variant may not impact protein structure and function (internally defined REVEL score threshold <= 0.5, PMID: 27666373). To our knowledge, functional studies have not been reported for this variant. This variant has not been reported in individuals affected with cardiovascular disorders in the literature. This variant has been identified in 2/282818 chromosomes in the general population by the Genome Aggregation Database (gnomAD). The available evidence is insufficient to determine the role of this variant in disease conclusively. Therefore, this variant is classified as a Variant of Uncertain Significance.

All of Us Research Program, National Institutes of Health
Classification: Uncertain significance for Arrhythmogenic cardiomyopathy with wooly hair and keratoderma. Last evaluated: 2022-11-28. Review status: criteria provided, single submitter. Criteria: ACMG Guidelines, 2015. Collection method: clinical testing. Allele origin: germline. Inheritance: Autosomal dominant inheritance. Observed: 1 variant allele, 1 heterozygote.
Comment: This study involves interpretation of variants in research participants for the purpose of population health screening. Participant phenotype was not available at the time of variant classification. Additional details can be found in publication PMID: 35346344, PMCID: PMC8962531

Labcorp Genetics (formerly Invitae), Labcorp
Classification: Uncertain significance for Arrhythmogenic cardiomyopathy with wooly hair and keratoderma; Arrhythmogenic right ventricular dysplasia 8. Last evaluated: 2022-02-23. Review status: criteria provided, single submitter. Criteria: Invitae Variant Classification Sherloc (09022015). Collection method: clinical testing. Allele origin: germline.
Comment: This sequence change replaces proline, which is neutral and non-polar, with leucine, which is neutral and non-polar, at codon 847 of the DSP protein (p.Pro847Leu). This variant is present in population databases (rs727504657, gnomAD 0.002%). This variant has not been reported in the literature in individuals affected with DSP-related conditions. ClinVar contains an entry for this variant (Variation ID: 179136). Algorithms developed to predict the effect of missense changes on protein structure and function (SIFT, PolyPhen-2, Align-GVGD) all suggest that this variant is likely to be tolerated. In summary, the available evidence is currently insufficient to determine the role of this variant in disease. Therefore, it has been classified as a Variant of Uncertain Significance.

Laboratory for Molecular Medicine, Mass General Brigham Personalized Medicine
Classification: Uncertain significance. Last evaluated: 2013-07-25. Review status: criteria provided, single submitter. Criteria: LMM Criteria. Collection method: clinical testing. Allele origin: germline. Observed: 1 variant allele.
Comment: This variant has not been obser ved in large population studies. Computational analyses (biochemical amino acid properties, conservation, AlignGVGD, PolyPhen2, and SIFT) do not provide strong support for or against an impact to the normal function of the protein. In sum mary, additional information is needed to fully assess the clinical significance of the Pro847Leu variant.

NM_004415.4(DSP):c.2540C>T (p.Pro847Leu)

Gene: DSP (desmoplakin; plus strand). Cytogenetic location: 6p24.3.
Variant type: single nucleotide variant.
Coding change: c.2540C>T on transcript NM_004415.4 (MANE Select); coding-DNA position 2540, C replaced by T.
Protein change: p.Pro847Leu; replaces proline 847 with leucine.
Molecular consequence: missense variant.
Genome position (GRCh38, 1-based): chr6:7,575,398, C>T. VCF-style: chr6-7575398-C-T. GRCh37 (hg19) VCF-style: chr6-7575631-C-T.
Other names: c.2540C>T, p.Pro847Leu (NM_001008844.3, NM_001319034.2); short protein forms P847L.
Identifiers: ClinVar variation 179136 (VCV000179136.10), dbSNP rs727504657, ClinGen allele CA005397.